The following is an entry in ClinVar:

ClinVar aggregate classification (germline): Conflicting classifications of pathogenicity. Review status: criteria provided, conflicting classifications (1 of 4 stars). 2 submissions from 2 submitters: Uncertain significance (1); Likely benign (1). Last evaluated 2025-11-03.

Conditions:
Cardiovascular phenotype. Identifiers: MedGen CN230736.
Brugada syndrome. Also called: Sudden unexplained nocturnal death syndrome; Sudden unexpected nocturnal death syndrome; Sudden Unexplained Death Syndrome; Sudden Unexplained Nocturnal Death Syndrome (SUNDS). Identifiers: Orphanet 130, MedGen C1142166, MONDO:0015263.

Allele frequency attached by ClinVar (database versions not stated): gnomAD exomes below 0.00001 and 0.00002; ExAC 0.00001; gnomAD 0.00001; TOPMed 0.00001.

Submissions (2):

Labcorp Genetics (formerly Invitae), Labcorp
Classification: Uncertain significance for Brugada syndrome. Last evaluated: 2025-11-03. Review status: criteria provided, single submitter. Criteria: Invitae Variant Classification Sherloc (09022015). Collection method: clinical testing. Allele origin: germline.
Comment: This sequence change replaces histidine, which is basic and polar, with tyrosine, which is neutral and polar, at codon 922 of the SCN10A protein (p.His922Tyr). This variant is present in population databases (rs763764330, gnomAD 0.0009%). This variant has not been reported in the literature in individuals affected with SCN10A-related conditions. ClinVar contains an entry for this variant (Variation ID: 1399792). Invitae Evidence Modeling of protein sequence and biophysical properties (such as structural, functional, and spatial information, amino acid conservation, physicochemical variation, residue mobility, and thermodynamic stability) has been performed for this missense variant. However, the output from this modeling did not meet the statistical confidence thresholds required to predict the impact of this variant on SCN10A protein function. In summary, the available evidence is currently insufficient to determine the role of this variant in disease. Therefore, it has been classified as a Variant of Uncertain Significance.

Ambry Genetics
Classification: Likely benign for Cardiovascular phenotype. Last evaluated: 2025-02-19. Review status: criteria provided, single submitter. Criteria: Ambry Variant Classification Scheme 2023. Collection method: clinical testing. Allele origin: germline.

NM_006514.4(SCN10A):c.2764C>T (p.His922Tyr)

Gene: SCN10A (sodium voltage-gated channel alpha subunit 10; minus strand). Cytogenetic location: 3p22.2.
Variant type: single nucleotide variant.
Coding change: c.2764C>T on transcript NM_006514.4 (MANE Select); coding-DNA position 2764, C replaced by T.
Protein change: p.His922Tyr; replaces histidine 922 with tyrosine.
Molecular consequence: missense variant.
Genome position (GRCh38, 1-based): chr3:38,726,929, G>A on the plus strand (C>T on the coding strand, the complement: SCN10A is on the minus strand). VCF-style: chr3-38726929-G-A. GRCh37 (hg19) VCF-style: chr3-38768420-G-A.
Other names: c.2764C>T, p.His922Tyr (NM_001293306.2); c.2470C>T, p.His824Tyr (NM_001293307.2); short protein forms H824Y, H922Y.
Identifiers: ClinVar variation 1399792 (VCV001399792.9), dbSNP rs763764330, ClinGen allele CA2320437.